The following is an entry in ClinVar:

ClinVar aggregate classification (germline): Uncertain significance (1 of 4 stars; one submission).

Conditions:
Rubinstein-Taybi syndrome (RSTS). Identifiers: Orphanet 783, MedGen C0035934, MONDO:0019188.

Submission:

Labcorp Genetics (formerly Invitae), Labcorp
Classification: Uncertain significance for Rubinstein-Taybi syndrome. Last evaluated: 2025-07-27. Review status: criteria provided, single submitter. Criteria: Invitae Variant Classification Sherloc (09022015). Collection method: clinical testing. Allele origin: germline.
Comment: This sequence change replaces proline, which is neutral and non-polar, with serine, which is neutral and polar, at codon 2014 of the CREBBP protein (p.Pro2014Ser). This variant is not present in population databases (gnomAD no frequency). This variant has not been reported in the literature in individuals affected with CREBBP-related conditions. Invitae Evidence Modeling of protein sequence and biophysical properties (such as structural, functional, and spatial information, amino acid conservation, physicochemical variation, residue mobility, and thermodynamic stability) indicates that this missense variant is not expected to disrupt CREBBP protein function with a negative predictive value of 95%. In summary, the available evidence is currently insufficient to determine the role of this variant in disease. Therefore, it has been classified as a Variant of Uncertain Significance.

NM_004380.3(CREBBP):c.6040C>T (p.Pro2014Ser)

Gene: CREBBP (CREB binding lysine acetyltransferase; minus strand). Cytogenetic location: 16p13.3.
Variant type: single nucleotide variant.
Coding change: c.6040C>T on transcript NM_004380.3 (MANE Select); coding-DNA position 6040, C replaced by T.
Protein change: p.Pro2014Ser; replaces proline 2014 with serine.
Molecular consequence: missense variant.
Genome position (GRCh38, 1-based): chr16:3,729,007, G>A on the plus strand (C>T on the coding strand, the complement: CREBBP is on the minus strand). VCF-style: chr16-3729007-G-A. GRCh37 (hg19) VCF-style: chr16-3779008-G-A.
Other names: c.5926C>T, p.Pro1976Ser (NM_001079846.1); short protein forms P1976S, P2014S.
Identifiers: ClinVar variation 4705603 (VCV004705603.1).
Genomic context (GRCh38, chr16:3,729,007, plus strand): 5'-CTGGCATGGGCTGCTGCTGGGGAAGGGGCGCCTGCTGCCACTGCCCGGGAGGCATGCTGG[G>A]CATGACGGGCCCGCTCACCTGGTTGGGTCGGGGCACATTCAGGCTCACGGGGGCCATCTG-3'
Protein context (NP_004371.2, residues 2004-2024): RPNQVSGPVM[Pro2014Ser]SMPPGQWQQA